The following is an entry in ClinVar:

NM_000037.4(ANK1):c.3328-13T>A

Gene: ANK1 (ankyrin 1; minus strand). Cytogenetic location: 8p11.21.
Variant type: single nucleotide variant.
Coding change: c.3328-13T>A on transcript NM_000037.4 (MANE Select); 13 bases into the intron before coding-DNA position 3328, T replaced by A.
Molecular consequence: intron variant.
Genome position (GRCh38, 1-based): chr8:41,694,115, A>T on the plus strand (T>A on the coding strand, the complement: ANK1 is on the minus strand). VCF-style: chr8-41694115-A-T. GRCh37 (hg19) VCF-style: chr8-41551633-A-T.
Other names: c.3451-13T>A (NM_001142446.2); c.3328-13T>A (NM_020477.3, NM_020475.3, NM_020476.3).
Identifiers: ClinVar variation 1381150 (VCV001381150.6), dbSNP rs2150592375, ClinGen allele CA2573143156.
Genomic context (GRCh38, chr8:41,694,115, plus strand): 5'-CTGGTTGCCCAGGAGCTTAGTGACAAGCTCATCCGGGACAGGCTGGGCCTGTGAAATGAC[A>T]GAGGCAGGACACTCAGGCCCAAGCAGGAGAGGGGCTAATCAGACGGGAGGCAGCTCCATG-3'

ClinVar aggregate classification (germline): Uncertain significance (1 of 4 stars; one submission).

Submission:

Labcorp Genetics (formerly Invitae), Labcorp
Classification: Uncertain significance. Last evaluated: 2021-10-21. Review status: criteria provided, single submitter. Criteria: Invitae Variant Classification Sherloc (09022015). Collection method: clinical testing. Allele origin: germline.
Comment: In summary, the available evidence is currently insufficient to determine the role of this variant in disease. Therefore, it has been classified as a Variant of Uncertain Significance. Algorithms developed to predict the effect of sequence changes on RNA splicing suggest that this variant may create or strengthen a splice site. This variant has been observed in individual(s) with clinical features of autosomal dominant spherocytosis (Invitae). It has also been observed to segregate with disease in related individuals. This variant is not present in population databases (ExAC no frequency). This sequence change falls in intron 28 of the ANK1 gene. It does not directly change the encoded amino acid sequence of the ANK1 protein.